The following is an entry in ClinVar:

NM_138694.4(PKHD1):c.1919A>G (p.Lys640Arg)

Gene: PKHD1 (PKHD1 ciliary IPT domain containing fibrocystin/polyductin; minus strand). Cytogenetic location: 6p12.2.
Variant type: single nucleotide variant.
Coding change: c.1919A>G on transcript NM_138694.4 (MANE Select); coding-DNA position 1919, A replaced by G.
Protein change: p.Lys640Arg; replaces lysine 640 with arginine.
Molecular consequence: missense variant.
Genome position (GRCh38, 1-based): chr6:52,054,083, T>C on the plus strand (A>G on the coding strand, the complement: PKHD1 is on the minus strand). VCF-style: chr6-52054083-T-C. GRCh37 (hg19) VCF-style: chr6-51918881-T-C.
Other names: c.1919A>G, p.Lys640Arg (NM_170724.3); short protein forms K640R.
Identifiers: ClinVar variation 917559 (VCV000917559.2), dbSNP rs1807314191, ClinGen allele CA364422770.

ClinVar aggregate classification (germline): Uncertain significance (1 of 4 stars; one submission).

Submission:

Women's Health and Genetics/Laboratory Corporation of America, LabCorp
Classification: Uncertain significance. Last evaluated: 2021-04-05. Review status: criteria provided, single submitter. Criteria: LabCorp Variant Classification Summary - May 2015. Collection method: clinical testing. Allele origin: germline.
Comment: Variant summary: PKHD1 c.1919A>G (p.Lys640Arg) results in a conservative amino acid change in the encoded protein sequence. Five of five in-silico tools predict a benign effect of the variant on protein function. The variant was absent in 251256 control chromosomes. The available data on variant occurrences in the general population are insufficient to allow any conclusion about variant significance. To our knowledge, no occurrence of c.1919A>G in individuals affected with Polycystic Kidney And Hepatic Disease and no experimental evidence demonstrating its impact on protein function have been reported. No other clinical diagnostic laboratories have submitted clinical-significance assessments for this variant to ClinVar after 2014. Based on the evidence outlined above, the variant was classified as uncertain significance.